The following is an entry in ClinVar:

ClinVar aggregate classification (germline): Pathogenic/Likely pathogenic. Review status: criteria provided, multiple submitters, no conflicts (2 of 4 stars). 11 submissions from 11 submitters: Pathogenic (6); Likely pathogenic (2). 3 of the submissions do not count toward it. Last evaluated 2025-04-14.

Conditions:
GRIN2B-related disorder. Also called: GRIN2B-related condition.
Complex neurodevelopmental disorder. Identifiers: Orphanet 528084, MedGen C5568766, MONDO:0100038.
Intellectual developmental disorder, autosomal dominant 6, with or without seizures. Also called: Intellectual disability, autosomal dominant 6; GRIN2B-related developmental delay, intellectual disability and autism spectrum disorder. Identifiers: Orphanet 589547, MedGen C3151411, MONDO:0013509, OMIM 613970.
Developmental and epileptic encephalopathy, 27 (DEE27). Also called: Epileptic encephalopathy, early infantile, 27; GRIN2B-Related Neurodevelopmental Disorder. Identifiers: Orphanet 3451, MedGen C4015316, MONDO:0014505, OMIM 616139.
Intellectual disability. Also called: Intellectual functioning disability; intellectual disabilities; Intellectual developmental disorder. Identifiers: MedGen C3714756, MeSH D008607, MONDO:0001071, HP:0001249.

Submissions (11):

Variantyx, Inc.
Classification: Pathogenic for Intellectual developmental disorder, autosomal dominant 6, with or without seizures. Last evaluated: 2025-04-14. Review status: criteria provided, single submitter. Criteria: Variantyx Assertion Criteria 2022. Collection method: clinical testing. Allele origin: de novo. Inheritance: Autosomal dominant inheritance. Affected: yes.
Comment: This is a nonsynonymous variant in the GRIN2B gene (OMIM: 138252). Pathogenic variants in this gene have been associated with autosomal dominant intellectual developmental disorder 6 with or without seizures. This variant has been also reported in one individual with a neurodevelopmental disorder; however, the inheritance of this variant was unknown (PMID: 38566815) (PS4). Multiple computational algorithms predict a deleterious effect for this variant (REVEL score: 0.714) (PP3). This variant is absent from control populations (PM2). Based on the current evidence, this variant is classified as pathogenic for autosomal dominant intellectual developmental disorder 6 with or without seizures.

GeneDx
Classification: Pathogenic. Last evaluated: 2023-03-24. Review status: criteria provided, single submitter. Criteria: GeneDx Variant Classification Process June 2021. Collection method: clinical testing. Allele origin: germline. Affected: yes.
Comment: Not observed at significant frequency in large population cohorts (gnomAD); In silico analysis supports that this missense variant has a deleterious effect on protein structure/function; This variant is associated with the following publications: (PMID: 32144935, 28377535, 27848944, 31526516, 35893069, 36758276, 27839871)

Labcorp Genetics (formerly Invitae), Labcorp
Classification: Pathogenic for Developmental and epileptic encephalopathy, 27; Intellectual developmental disorder, autosomal dominant 6, with or without seizures. Last evaluated: 2022-07-09. Review status: criteria provided, single submitter. Criteria: Invitae Variant Classification Sherloc (09022015). Collection method: clinical testing. Allele origin: germline.
Comment: For these reasons, this variant has been classified as Pathogenic. Advanced modeling of protein sequence and biophysical properties (such as structural, functional, and spatial information, amino acid conservation, physicochemical variation, residue mobility, and thermodynamic stability) performed at Invitae indicates that this missense variant is expected to disrupt GRIN2B protein function. ClinVar contains an entry for this variant (Variation ID: 234500). This missense change has been observed in individual(s) with intellectual disability (PMID: 28377535). In at least one individual the variant was observed to be de novo. This variant is not present in population databases (gnomAD no frequency). This sequence change replaces isoleucine, which is neutral and non-polar, with threonine, which is neutral and polar, at codon 751 of the GRIN2B protein (p.Ile751Thr).

Blueprint Genetics
Classification: Pathogenic for GRIN2B-related disorders. Last evaluated: 2022-02-08. Review status: criteria provided, single submitter. Criteria: ACMG Guidelines, 2015. Collection method: clinical testing. Allele origin: germline. Affected: yes. Observed: 3 variant alleles.

Diagnostic Laboratory, Strasbourg University Hospital
Classification: Pathogenic for Intellectual disability. Last evaluated: 2020-09-10. Review status: criteria provided, single submitter. Criteria: ACMG Guidelines, 2015. Collection method: clinical testing. Allele origin: de novo. Affected: yes. Observed: 1 heterozygote.

Genome Diagnostics Laboratory, University Medical Center Utrecht
Classification: Pathogenic for Intellectual developmental disorder, autosomal dominant 6, with or without seizures. Last evaluated: 2017-07-28. Review status: criteria provided, single submitter. Criteria: ACGS Guidelines, 2013. Collection method: clinical testing. Allele origin: germline. Affected: yes. Study: VKGL Data-share Consensus.

Clinical Genetics DNA and cytogenetics Diagnostics Lab, Erasmus MC, Erasmus Medical Center
Classification: Likely pathogenic for Intellectual developmental disorder, autosomal dominant 6, with or without seizures. Last evaluated: 2017-05-31. Review status: criteria provided, single submitter. Criteria: ACGS Guidelines, 2013. Collection method: clinical testing. Allele origin: germline. Affected: yes. Study: VKGL Data-share Consensus.

Institute of Human Genetics, University of Leipzig Medical Center
Classification: Likely pathogenic for Intellectual developmental disorder, autosomal dominant 6, with or without seizures. Last evaluated: 2017-04-04. Review status: criteria provided, single submitter. Criteria: ACMG Guidelines, 2015. Collection method: clinical testing. Allele origin: de novo. Affected: yes.
Comment: This variant was identified as de novo (maternity and paternity confirmed).

Molecular Genetics laboratory, Necker Hospital
Classification: Pathogenic. Last evaluated: 2023-03-29. Review status: no assertion criteria provided. Collection method: clinical testing. Allele origin: de novo. Affected: yes. Not counted in ClinVar's aggregate classification.

Diagnostic Laboratory, Department of Genetics, University Medical Center Groningen
Classification: Pathogenic. Review status: no assertion criteria provided. Collection method: clinical testing. Allele origin: germline. Affected: yes. Study: VKGL Data-share Consensus. Not counted in ClinVar's aggregate classification.

Joint Genome Diagnostic Labs from Nijmegen and Maastricht, Radboudumc and MUMC+
Classification: Pathogenic. Review status: no assertion criteria provided. Collection method: clinical testing. Allele origin: germline. Affected: yes. Study: VKGL Data-share Consensus. Not counted in ClinVar's aggregate classification.

Literature cited by the submitters: PubMed 38566815 (cited by Variantyx, Inc.); PubMed 27848944 (cited by Variantyx, Inc.); PubMed 28377535 (cited by 3 submitters).

NM_000834.5(GRIN2B):c.2252T>C (p.Ile751Thr)

Gene: GRIN2B (glutamate ionotropic receptor NMDA type subunit 2B; minus strand). Cytogenetic location: 12p13.1.
Variant type: single nucleotide variant.
Coding change: c.2252T>C on transcript NM_000834.5 (MANE Select); coding-DNA position 2252, T replaced by C.
Protein change: p.Ile751Thr; replaces isoleucine 751 with threonine.
Molecular consequence: missense variant.
Genome position (GRCh38, 1-based): chr12:13,569,937, A>G on the plus strand (T>C on the coding strand, the complement: GRIN2B is on the minus strand). VCF-style: chr12-13569937-A-G. GRCh37 (hg19) VCF-style: chr12-13722871-A-G.
Other names: short protein forms I751T.
Identifiers: ClinVar variation 234500 (VCV000234500.19), dbSNP rs876661055, ClinGen allele CA10577445.